The following is an entry in ClinVar:

NM_001164508.2(NEB):c.17545C>T (p.Arg5849Cys)

Gene: NEB (nebulin; minus strand). Cytogenetic location: 2q23.3.
Variant type: single nucleotide variant.
Coding change: c.17545C>T on transcript NM_001164508.2 (MANE Select); coding-DNA position 17545, C replaced by T.
Protein change: p.Arg5849Cys; replaces arginine 5849 with cysteine.
Molecular consequence: missense variant.
Genome position (GRCh38, 1-based): chr2:151,568,707, G>A on the plus strand (C>T on the coding strand, the complement: NEB is on the minus strand). VCF-style: chr2-151568707-G-A. GRCh37 (hg19) VCF-style: chr2-152425221-G-A.
Other names: c.12442C>T (NM_004543.4); c.17545C>T, p.Arg5849Cys (NM_001164507.2, NM_001271208.2); c.12442C>T, p.Arg4148Cys (NM_004543.5); short protein forms R4148C, R5849C.
Identifiers: ClinVar variation 1405578 (VCV001405578.15), dbSNP rs771214344, ClinGen allele CA1908181.
Genomic context (GRCh38, chr2:151,568,707, plus strand): 5'-CTGTCACATAATCAACTCTGTCATCCACAGGCGTAAAGTTGAGAGTTTCTATTTTTGTGC[G>A]ATATTTTTTCTATGGGAAAGAAAGCATCTTTTAGATAGTTGTAATTCCTAGACATGTGTG-3'
Protein context (NP_001157980.2, residues 5839-5859): AADIFSEKKY[Arg5849Cys]TKIETLNFTP

ClinVar aggregate classification (germline): Uncertain significance. Review status: criteria provided, multiple submitters, no conflicts (2 of 4 stars). 4 submissions from 4 submitters: Uncertain significance (4). Last evaluated 2024-08-29.

Conditions:
Arthrogryposis multiplex congenita 6. Identifiers: MedGen C5543431, MONDO:0030281, OMIM 619334.
Nemaline myopathy 2 (NEM2). Also called: Nemaline myopathy 2, autosomal recessive. Identifiers: MedGen C1850569, MONDO:0009725, OMIM 256030.
Inborn genetic diseases. Identifiers: MedGen C0950123, MeSH D030342.

Allele frequency attached by ClinVar (database versions not stated): gnomAD 0.00001; TOPMed 0.00002; ExAC 0.00005.
gnomAD v4.1: 40 of 1,593,060 alleles (0.0025%); highest among the groups gnomAD compares: African/African-American, 0.0067%; no homozygotes.

Submissions (4):

Labcorp Genetics (formerly Invitae), Labcorp
Classification: Uncertain significance for Nemaline myopathy 2. Last evaluated: 2024-08-29. Review status: criteria provided, single submitter. Criteria: Invitae Variant Classification Sherloc (09022015). Collection method: clinical testing. Allele origin: germline.
Comment: This sequence change replaces arginine, which is basic and polar, with cysteine, which is neutral and slightly polar, at codon 5849 of the NEB protein (p.Arg5849Cys). The frequency data for this variant in the population databases is considered unreliable, as metrics indicate poor data quality at this position in the gnomAD database. This variant has not been reported in the literature in individuals affected with NEB-related conditions. ClinVar contains an entry for this variant (Variation ID: 1405578). Experimental studies and prediction algorithms are not available or were not evaluated, and the functional significance of this variant is currently unknown. In summary, the available evidence is currently insufficient to determine the role of this variant in disease. Therefore, it has been classified as a Variant of Uncertain Significance.

Ambry Genetics
Classification: Uncertain significance for Inborn genetic diseases. Last evaluated: 2023-12-18. Review status: criteria provided, single submitter. Criteria: Ambry Variant Classification Scheme 2023. Collection method: clinical testing. Allele origin: germline.

Revvity Omics, Revvity
Classification: Uncertain significance. Last evaluated: 2021-11-17. Review status: criteria provided, single submitter. Criteria: ACMG Guidelines, 2015. Collection method: clinical testing. Allele origin: germline.

Juno Genomics, Hangzhou Juno Genomics, Inc
Classification: Uncertain significance for Nemaline myopathy 2; Arthrogryposis multiplex congenita 6. Review status: criteria provided, single submitter. Criteria: ACMG Guidelines, 2015. Collection method: clinical testing. Allele origin: germline.
Comment: Absent from controls (or at extremely low frequency if recessive) in Genome Aggregation Database.